The following is an entry in ClinVar:

ClinVar aggregate classification (germline): Uncertain significance (1 of 4 stars; one submission).

Conditions:
Hereditary sensory neuropathy-deafness-dementia syndrome. Also called: Hereditary Sensory and Autonomic Neuropathy Type 1E (HSAN1E); NEUROPATHY, HEREDITARY SENSORY, WITH HEARING LOSS AND DEMENTIA; HSN IE; Hereditary sensory neuropathy type IE. Identifiers: Orphanet 456318, MedGen C3279885, MONDO:0013584, OMIM 614116.

gnomAD v4.1: 1 of 1,611,486 alleles (0.000062%); highest among the groups gnomAD compares: African/African-American, 0.0013%; no homozygotes.

Submission:

Labcorp Genetics (formerly Invitae), Labcorp
Classification: Uncertain significance for Hereditary sensory neuropathy-deafness-dementia syndrome. Last evaluated: 2022-08-24. Review status: criteria provided, single submitter. Criteria: Invitae Variant Classification Sherloc (09022015). Collection method: clinical testing. Allele origin: germline.
Comment: This sequence change replaces proline, which is neutral and non-polar, with leucine, which is neutral and non-polar, at codon 16 of the DNMT1 protein (p.Pro16Leu). This variant is not present in population databases (gnomAD no frequency). This variant has not been reported in the literature in individuals affected with DNMT1-related conditions. Algorithms developed to predict the effect of missense changes on protein structure and function (SIFT, PolyPhen-2, Align-GVGD) all suggest that this variant is likely to be tolerated. In summary, the available evidence is currently insufficient to determine the role of this variant in disease. Therefore, it has been classified as a Variant of Uncertain Significance.

NM_001130823.3(DNMT1):c.47C>T (p.Pro16Leu)

Genes: DNMT1 (DNA methyltransferase 1; minus strand), LOC130063472 (ATAC-STARR-seq lymphoblastoid silent region 10057; plus strand). Cytogenetic location: 19p13.2.
Variant type: single nucleotide variant.
Coding change: c.47C>T on transcript NM_001130823.3 (MANE Select); coding-DNA position 47, C replaced by T.
Protein change: p.Pro16Leu; replaces proline 16 with leucine.
Molecular consequence: missense variant. On other transcripts: 5 prime UTR variant (1).
Genome position (GRCh38, 1-based): chr19:10,194,853, G>A on the plus strand (C>T on the coding strand, the complement: DNMT1 is on the minus strand). VCF-style: chr19-10194853-G-A. GRCh37 (hg19) VCF-style: chr19-10305529-G-A.
Other names: c.47C>T, p.Pro16Leu (NM_001318730.2, NM_001379.4); c.-277C>T (NM_001318731.2); short protein forms P16L.
Identifiers: ClinVar variation 1966305 (VCV001966305.4), dbSNP rs1476955893, ClinGen allele CA403950203.